The following is an entry in ClinVar:

ClinVar aggregate classification (germline): Pathogenic (1 of 4 stars; one submission).

Submission:

Labcorp Genetics (formerly Invitae), Labcorp
Classification: Pathogenic. Last evaluated: 2022-12-18. Review status: criteria provided, single submitter. Criteria: Invitae Variant Classification Sherloc (09022015). Collection method: clinical testing. Allele origin: germline.
Comment: This variant is not present in population databases (gnomAD no frequency). This sequence change creates a premature translational stop signal (p.Ser1127*) in the CCDC88C gene. It is expected to result in an absent or disrupted protein product. Loss-of-function variants in CCDC88C are known to be pathogenic (PMID: 23042809, 29225145). This variant has not been reported in the literature in individuals affected with CCDC88C-related conditions. For these reasons, this variant has been classified as Pathogenic.

Literature cited by the submitters: PubMed 23042809; PubMed 29225145.

NM_001080414.4(CCDC88C):c.3380_3384del (p.Ser1126_Ser1127insTer)

Gene: CCDC88C (coiled-coil and HOOK domain protein 88C; minus strand). Cytogenetic location: 14q32.11.
Variant type: Deletion.
Coding change: c.3380_3384del on transcript NM_001080414.4 (MANE Select); coding-DNA positions 3380 to 3384, 5 bases deleted (CCCAG; older notation c.3380_3384delCCCAG).
Protein change: p.Ser1126_Ser1127insTer.
Molecular consequence: nonsense.
Genome position (GRCh38, 1-based): chr14:91,303,952-91,303,956, CTGGG deleted on the plus strand (CCCAG on the coding strand, the reverse complement: CCDC88C is on the minus strand). VCF-style (leftmost placement, unchanged base first): chr14-91303951-TCTGGG-T. GRCh37 (hg19) VCF-style: chr14-91770295-TCTGGG-T.
Identifiers: ClinVar variation 2821936 (VCV002821936.3), dbSNP rs2544353624, ClinGen allele CA2739279955.